The following is an entry in ClinVar:

ClinVar aggregate classification (germline): Uncertain significance. Review status: criteria provided, multiple submitters, no conflicts (2 of 4 stars). 2 submissions from 2 submitters: Uncertain significance (2). Last evaluated 2024-10-09.

Conditions:
Cardiovascular phenotype. Identifiers: MedGen CN230736.

Allele frequency attached by ClinVar (database versions not stated): gnomAD exomes below 0.00001; gnomAD 0.00001; TOPMed 0.00001.
gnomAD v4.1: 4 of 1,593,284 alleles (0.00025%); highest among the groups gnomAD compares: African/African-American, 0.0054%; no homozygotes.

Submissions (2):

Ambry Genetics
Classification: Uncertain significance for Cardiovascular phenotype. Last evaluated: 2024-10-09. Review status: criteria provided, single submitter. Criteria: Ambry Variant Classification Scheme 2023. Collection method: clinical testing. Allele origin: germline.

Labcorp Genetics (formerly Invitae), Labcorp
Classification: Uncertain significance. Last evaluated: 2021-10-08. Review status: criteria provided, single submitter. Criteria: Invitae Variant Classification Sherloc (09022015). Collection method: clinical testing. Allele origin: germline.
Comment: In summary, the available evidence is currently insufficient to determine the role of this variant in disease. Therefore, it has been classified as a Variant of Uncertain Significance. Algorithms developed to predict the effect of missense changes on protein structure and function are either unavailable or do not agree on the potential impact of this missense change (SIFT: "Deleterious"; PolyPhen-2: "Probably Damaging"; Align-GVGD: "Class C0"). This variant has not been reported in the literature in individuals affected with ALPK3-related conditions. This variant is not present in population databases (ExAC no frequency). This sequence change replaces lysine with threonine at codon 1171 of the ALPK3 protein (p.Lys1171Thr). The lysine residue is moderately conserved and there is a moderate physicochemical difference between lysine and threonine.

NM_020778.5(ALPK3):c.2906A>C (p.Lys969Thr)

Gene: ALPK3 (alpha kinase 3; plus strand). Cytogenetic location: 15q25.3.
Variant type: single nucleotide variant.
Coding change: c.2906A>C on transcript NM_020778.5 (MANE Select); coding-DNA position 2906, A replaced by C.
Protein change: p.Lys969Thr; replaces lysine 969 with threonine.
Molecular consequence: missense variant.
Genome position (GRCh38, 1-based): chr15:84,857,644, A>C. VCF-style: chr15-84857644-A-C. GRCh37 (hg19) VCF-style: chr15-85400875-A-C.
Other names: short protein forms K969T.
Identifiers: ClinVar variation 1385389 (VCV001385389.9), dbSNP rs985027215, ClinGen allele CA273624884.